The following is an entry in ClinVar:

NM_001035.3(RYR2):c.5675G>A (p.Gly1892Asp)

Gene: RYR2 (ryanodine receptor 2; plus strand). Cytogenetic location: 1q43.
Variant type: single nucleotide variant.
Coding change: c.5675G>A on transcript NM_001035.3 (MANE Select); coding-DNA position 5675, G replaced by A.
Protein change: p.Gly1892Asp; replaces glycine 1892 with aspartic acid.
Molecular consequence: missense variant.
Genome position (GRCh38, 1-based): chr1:237,614,803, G>A. VCF-style: chr1-237614803-G-A. GRCh37 (hg19) VCF-style: chr1-237778103-G-A.
Other names: short protein forms G1892D.
Identifiers: ClinVar variation 1748988 (VCV001748988.4), dbSNP rs1309412583, ClinGen allele CA345405810.

ClinVar aggregate classification (germline): Uncertain significance. Review status: criteria provided, multiple submitters, no conflicts (2 of 4 stars). 2 submissions from 2 submitters: Uncertain significance (2). Last evaluated 2025-06-09.

Conditions:
Catecholaminergic polymorphic ventricular tachycardia 1. Also called: VENTRICULAR TACHYCARDIA, CATECHOLAMINERGIC POLYMORPHIC, 1, WITH OR WITHOUT ATRIAL DYSFUNCTION AND/OR DILATED CARDIOMYOPATHY; VENTRICULAR TACHYCARDIA, STRESS-INDUCED POLYMORPHIC 1; RYR2-Related Catecholaminergic Polymorphic Ventricular Tachycardia. Identifiers: Orphanet 3286, MedGen C1631597, MONDO:0011484, OMIM 604772.
Cardiovascular phenotype. Identifiers: MedGen CN230736.

gnomAD v4.1: 1 of 1,597,744 alleles (0.000063%); no homozygotes.

Submissions (2):

Labcorp Genetics (formerly Invitae), Labcorp
Classification: Uncertain significance for Catecholaminergic polymorphic ventricular tachycardia 1. Last evaluated: 2025-06-09. Review status: criteria provided, single submitter. Criteria: Invitae Variant Classification Sherloc (09022015). Collection method: clinical testing. Allele origin: germline.
Comment: This sequence change replaces glycine, which is neutral and non-polar, with aspartic acid, which is acidic and polar, at codon 1892 of the RYR2 protein (p.Gly1892Asp). This variant is present in population databases (no rsID available, gnomAD no frequency). This variant has not been reported in the literature in individuals affected with RYR2-related conditions. ClinVar contains an entry for this variant (Variation ID: 1748988). Invitae Evidence Modeling of protein sequence and biophysical properties (such as structural, functional, and spatial information, amino acid conservation, physicochemical variation, residue mobility, and thermodynamic stability) indicates that this missense variant is not expected to disrupt RYR2 protein function with a negative predictive value of 95%. In summary, the available evidence is currently insufficient to determine the role of this variant in disease. Therefore, it has been classified as a Variant of Uncertain Significance.

Ambry Genetics
Classification: Uncertain significance for Cardiovascular phenotype. Last evaluated: 2020-02-05. Review status: criteria provided, single submitter. Criteria: Ambry Variant Classification Scheme 2023. Collection method: clinical testing. Allele origin: germline.
Comment: The p.G1892D variant (also known as c.5675G>A), located in coding exon 37 of the RYR2 gene, results from a G to A substitution at nucleotide position 5675. The glycine at codon 1892 is replaced by aspartic acid, an amino acid with similar properties. This amino acid position is highly conserved in available vertebrate species. In addition, this alteration is predicted to be deleterious by in silico analysis. Since supporting evidence is limited at this time, the clinical significance of this alteration remains unclear.